The following is an entry in ClinVar:

NM_032043.3(BRIP1):c.627+1284G>T

Gene: BRIP1 (BRCA1 interacting DNA helicase 1; minus strand). Cytogenetic location: 17q23.2.
Variant type: single nucleotide variant.
Coding change: c.627+1284G>T on transcript NM_032043.3 (MANE Select); 1284 bases into the intron after coding-DNA position 627, G replaced by T.
Molecular consequence: intron variant.
Genome position (GRCh38, 1-based): chr17:61,845,817, C>A on the plus strand (G>T on the coding strand, the complement: BRIP1 is on the minus strand). VCF-style: chr17-61845817-C-A. GRCh37 (hg19) VCF-style: chr17-59923178-C-A.
Identifiers: ClinVar variation 2648002 (VCV002648002.24), dbSNP rs186993452, ClinGen allele CA292277352.

ClinVar aggregate classification (germline): Likely benign (1 of 4 stars; one submission).

Allele frequency attached by ClinVar (database versions not stated): 1000 Genomes Project 30x 0.00062; 1000 Genomes Project 0.00080.
gnomAD v4.1: 46 of 152,190 alleles (0.03%); highest among the groups gnomAD compares: Admixed American, 0.29%; no homozygotes.

Submission:

CeGaT Center for Human Genetics Tuebingen
Classification: Likely benign. Last evaluated: 2025-09-01. Review status: criteria provided, single submitter. Criteria: CeGaT Center For Human Genetics Tuebingen Variant Classification Criteria Version 2. Collection method: clinical testing. Allele origin: germline. Affected: yes. Observed: 2 variant alleles.
Comment: BRIP1: BP4, BP7